The following is an entry in ClinVar:

NM_001042492.3(NF1):c.694A>G (p.Thr232Ala)

Gene: NF1 (neurofibromin 1; plus strand). Cytogenetic location: 17q11.2.
Variant type: single nucleotide variant.
Coding change: c.694A>G on transcript NM_001042492.3 (MANE Select); coding-DNA position 694, A replaced by G.
Protein change: p.Thr232Ala; replaces threonine 232 with alanine.
Molecular consequence: missense variant.
Genome position (GRCh38, 1-based): chr17:31,181,749, A>G. VCF-style: chr17-31181749-A-G. GRCh37 (hg19) VCF-style: chr17-29508767-A-G.
Other names: c.694A>G, p.Thr232Ala (NM_000267.4, NM_001128147.3); short protein forms T232A.
Identifiers: ClinVar variation 1023987 (VCV001023987.7), dbSNP rs876660027, ClinGen allele CA398989993.

ClinVar aggregate classification (germline): Uncertain significance. Review status: criteria provided, multiple submitters, no conflicts (2 of 4 stars). 2 submissions from 2 submitters: Uncertain significance (2). Last evaluated 2020-03-24.

Conditions:
Neurofibromatosis, type 1 (NF1). Also called: Peripheral type neurofibromatosis; Neurofibromatosis, type I; VON RECKLINGHAUSEN DISEASE; NEUROFIBROMATOSIS, TYPE I, SOMATIC. Identifiers: Orphanet 636, MedGen C0027831, MONDO:0018975, OMIM 162200. Disease mechanism: loss of function.
Cardiovascular phenotype. Identifiers: MedGen CN230736.
Hereditary cancer-predisposing syndrome. Also called: Hereditary neoplastic syndrome; Neoplastic Syndromes, Hereditary; Tumor predisposition; Hereditary Cancer Syndrome. Identifiers: Orphanet 140162, MedGen C0027672, MeSH D009386, MONDO:0015356.

gnomAD v4.1: 5 of 1,610,662 alleles (0.00031%); highest among the groups gnomAD compares: East Asian, 0.0089%; no homozygotes.

Submissions (2):

Ambry Genetics
Classification: Uncertain significance for Cardiovascular phenotype; Hereditary cancer-predisposing syndrome. Last evaluated: 2020-03-24. Review status: criteria provided, single submitter. Criteria: Ambry Variant Classification Scheme 2023. Collection method: clinical testing. Allele origin: germline.
Comment: The p.T232A variant (also known as c.694A>G), located in coding exon 7 of the NF1 gene, results from an A to G substitution at nucleotide position 694. The threonine at codon 232 is replaced by alanine, an amino acid with similar properties. This alteration has been reported with a carrier frequency of 0.0028 in 7051 unselected breast cancer patients and 0.00009 in 11241 female controls and 0.0005 in 12490 male controls of Japanese ancestry (Momozawa Y et al. Nat Commun, 2018 10;9:4083). This amino acid position is highly conserved in available vertebrate species. In addition, this alteration is predicted to be deleterious by in silico analysis. Since supporting evidence is limited at this time, the clinical significance of this alteration remains unclear.

Labcorp Genetics (formerly Invitae), Labcorp
Classification: Uncertain significance for Neurofibromatosis, type 1. Last evaluated: 2018-04-29. Review status: criteria provided, single submitter. Criteria: Invitae Variant Classification Sherloc (09022015). Collection method: clinical testing. Allele origin: germline.
Comment: This variant is not present in population databases (ExAC no frequency). In summary, the available evidence is currently insufficient to determine the role of this variant in disease. Therefore, it has been classified as a Variant of Uncertain Significance. Algorithms developed to predict the effect of missense changes on protein structure and function do not agree on the potential impact of this missense change (SIFT: "Tolerated"; PolyPhen-2: "Probably Damaging"; Align-GVGD: "Class C0"). This variant has not been reported in the literature in individuals with NF1-related disease. This sequence change replaces threonine with alanine at codon 232 of the NF1 protein (p.Thr232Ala). The threonine residue is highly conserved and there is a small physicochemical difference between threonine and alanine.